The following is an entry in ClinVar:

NM_002076.4(GNS):c.671C>A (p.Pro224His)

Gene: GNS (glucosamine (N-acetyl)-6-sulfatase; minus strand). Cytogenetic location: 12q14.3.
Variant type: single nucleotide variant.
Coding change: c.671C>A on transcript NM_002076.4 (MANE Select); coding-DNA position 671, C replaced by A.
Protein change: p.Pro224His; replaces proline 224 with histidine.
Molecular consequence: missense variant.
Genome position (GRCh38, 1-based): chr12:64,743,262, G>T on the plus strand (C>A on the coding strand, the complement: GNS is on the minus strand). VCF-style: chr12-64743262-G-T. GRCh37 (hg19) VCF-style: chr12-65137042-G-T.
Other names: short protein forms P224H.
Identifiers: ClinVar variation 4694179 (VCV004694179.1).
Genomic context (GRCh38, chr12:64,743,262, plus strand): 5'-TACTGAGGTGCAGCTGTCCAAGGCGAATGAGGCGCTGGAGTGGCGATCATCATGAAGAAG[G>T]GCTCAAAGTTGGACTTGTAGTCCAGAAAGTCCAAGGAGACATTAGCCTGACACATAAAAA-3'
Protein context (NP_002067.1, residues 214-234): DFLDYKSNFE[Pro224His]FFMMIATPAP

ClinVar aggregate classification (germline): Uncertain significance (1 of 4 stars; one submission).

Conditions:
Mucopolysaccharidosis, MPS-III-D (MPS3D). Also called: N-ACETYLGLUCOSAMINE-6-SULFATASE DEFICIENCY; SANFILIPPO SYNDROME D; MPS III D; Mucopoly-saccharidosis type 3D; N-acetylglucosamine-6-sulfate sulfatase deficiency; MPS 3D. Identifiers: Orphanet 581, Orphanet 79272, MedGen C0086650, MONDO:0009658, OMIM 252940.

Submission:

Labcorp Genetics (formerly Invitae), Labcorp
Classification: Uncertain significance for Mucopolysaccharidosis, MPS-III-D. Last evaluated: 2025-08-03. Review status: criteria provided, single submitter. Criteria: Invitae Variant Classification Sherloc (09022015). Collection method: clinical testing. Allele origin: germline.
Comment: This sequence change replaces proline, which is neutral and non-polar, with histidine, which is basic and polar, at codon 224 of the GNS protein (p.Pro224His). This variant is not present in population databases (gnomAD no frequency). This variant has not been reported in the literature in individuals affected with GNS-related conditions. Invitae Evidence Modeling of protein sequence and biophysical properties (such as structural, functional, and spatial information, amino acid conservation, physicochemical variation, residue mobility, and thermodynamic stability) indicates that this missense variant is expected to disrupt GNS protein function with a positive predictive value of 80%. In summary, the available evidence is currently insufficient to determine the role of this variant in disease. Therefore, it has been classified as a Variant of Uncertain Significance.